The following is an entry in ClinVar:

NM_001267550.2(TTN):c.7633A>G (p.Thr2545Ala)

Gene: TTN (titin; minus strand). Cytogenetic location: 2q31.2.
Variant type: single nucleotide variant.
Coding change: c.7633A>G on transcript NM_001267550.2 (MANE Select); coding-DNA position 7633, A replaced by G.
Protein change: p.Thr2545Ala; replaces threonine 2545 with alanine.
Molecular consequence: missense variant.
Genome position (GRCh38, 1-based): chr2:178,773,331, T>C on the plus strand (A>G on the coding strand, the complement: TTN is on the minus strand). VCF-style: chr2-178773331-T-C. GRCh37 (hg19) VCF-style: chr2-179638058-T-C.
Other names: c.7633A>G, p.Thr2545Ala (NM_001256850.1, NM_133378.4, NM_133379.5); c.7495A>G, p.Thr2499Ala (NM_003319.4, NM_133432.3, NM_133437.4); short protein forms T2499A, T2545A.
Identifiers: ClinVar variation 3381707 (VCV003381707.1).

ClinVar aggregate classification (germline): Uncertain significance (1 of 4 stars; one submission).

gnomAD v4.1: 2 of 1,613,884 alleles (0.00012%); highest among the groups gnomAD compares: Non-Finnish European, 0.00017%; no homozygotes.

Submission:

GeneDx
Classification: Uncertain significance. Last evaluated: 2024-05-24. Review status: criteria provided, single submitter. Criteria: GeneDx Variant Classification Process June 2021. Collection method: clinical testing. Allele origin: germline. Affected: yes.
Comment: Not observed at significant frequency in large population cohorts (gnomAD); Missense variant in a gene in which most reported pathogenic variants are truncating/loss of function; Has not been previously published as pathogenic or benign to our knowledge